The following is an entry in ClinVar:

NM_001374736.1(DST):c.4553A>G (p.Gln1518Arg)

Gene: DST (dystonin; minus strand). Cytogenetic location: 6p12.1.
Variant type: single nucleotide variant.
Coding change: c.4553A>G on transcript NM_001374736.1 (MANE Select); coding-DNA position 4553, A replaced by G.
Protein change: p.Gln1518Arg; replaces glutamine 1518 with arginine.
Molecular consequence: missense variant.
Genome position (GRCh38, 1-based): chr6:56,628,084, T>C on the plus strand (A>G on the coding strand, the complement: DST is on the minus strand). VCF-style: chr6-56628084-T-C. GRCh37 (hg19) VCF-style: chr6-56492882-T-C.
Other names: c.4454A>G, p.Gln1485Arg (NM_001144769.5); c.4040A>G, p.Gln1347Arg (NM_001144770.2); c.4553A>G, p.Gln1518Arg (NM_001374722.1); c.3920A>G, p.Gln1307Arg (NM_001374729.1, NM_001374730.1, NM_001386100.1 and 1 more transcripts); c.4580A>G, p.Gln1527Arg (NM_001374734.1); c.2942A>G, p.Gln981Arg (NM_001723.7, NM_015548.5); short protein forms Q1307R, Q1485R, Q1518R, Q981R, Q1347R, Q1527R.
Identifiers: ClinVar variation 4788567 (VCV004788567.1).

ClinVar aggregate classification (germline): Uncertain significance (1 of 4 stars; one submission).

Conditions:
Epidermolysis bullosa simplex 3, localized or generalized intermediate, with BP230 deficiency (EBS3). Also called: Epidermolysis bullosa simplex, autosomal recessive 2; Epidermolysis bullosa simplex due to BP230 deficiency. Identifiers: Orphanet 412181, MedGen C3809470, MONDO:0014180, OMIM 615425.
Hereditary sensory and autonomic neuropathy type 6. Also called: HSAN VI; Neuropathy, hereditary sensory and autonomic, type VI. Identifiers: Orphanet 314381, MedGen C3539003, MONDO:0013839, OMIM 614653.

Submission:

Labcorp Genetics (formerly Invitae), Labcorp
Classification: Uncertain significance for Epidermolysis bullosa simplex 3, localized or generalized intermediate, with BP230 deficiency; Hereditary sensory and autonomic neuropathy type 6. Last evaluated: 2025-05-13. Review status: criteria provided, single submitter. Criteria: Invitae Variant Classification Sherloc (09022015). Collection method: clinical testing. Allele origin: germline.
Comment: This sequence change replaces glutamine, which is neutral and polar, with arginine, which is basic and polar, at codon 981 of the DST protein (p.Gln981Arg). This variant is not present in population databases (gnomAD no frequency). This variant has not been reported in the literature in individuals affected with DST-related conditions. An algorithm developed to predict the effect of missense changes on protein structure and function (PolyPhen-2) suggests that this variant is likely to be tolerated. In summary, the available evidence is currently insufficient to determine the role of this variant in disease. Therefore, it has been classified as a Variant of Uncertain Significance.